The following is an entry in ClinVar:

ClinVar aggregate classification (germline): Pathogenic (1 of 4 stars; one submission).

Conditions:
Familial intrahepatic cholestasis. Identifiers: Orphanet 284385, MedGen CN296401, MONDO:0017290.

Submission:

Genomenon, Inc
Classification: Pathogenic for Familial intrahepatic cholestasis. Last evaluated: 2026-04-14. Review status: criteria provided, single submitter. Criteria: Genomenon Sequence Variant Interpretation Standards - Updated. Collection method: curation. Allele origin: germline. Affected: yes.
Comment: ABCB11 p.Leu97Ter (c.290T>G) is a nonsense variant that introduces a premature stop codon at amino acid position 97, creating a truncated protein that is predicted to undergo nonsense-mediated mRNA decay. This variant has been observed in at least one proband with an ABCB11-related disorder (PMID:24627769). It is absent or not present at a significant frequency in gnomAD. In conclusion, we classify ABCB11 p.Leu97Ter (c.290T>G) as a pathogenic variant.

Literature cited by the submitters: PubMed 24627769.

NM_003742.4(ABCB11):c.290T>G (p.Leu97Ter)

Gene: ABCB11 (ATP binding cassette subfamily B member 11; minus strand). Cytogenetic location: 2q31.1.
Variant type: single nucleotide variant.
Coding change: c.290T>G on transcript NM_003742.4 (MANE Select); coding-DNA position 290, T replaced by G.
Protein change: p.Leu97Ter; replaces leucine 97 with a stop codon.
Molecular consequence: nonsense.
Genome position (GRCh38, 1-based): chr2:169,013,371, A>C on the plus strand (T>G on the coding strand, the complement: ABCB11 is on the minus strand). VCF-style: chr2-169013371-A-C. GRCh37 (hg19) VCF-style: chr2-169869881-A-C.
Other names: short protein forms L97*.
Identifiers: ClinVar variation 4846095 (VCV004846095.1).
Genomic context (GRCh38, chr2:169,013,371, plus strand): 5'-CTGTTAGTCCATACAATGGTGTTATTCACACATGCTTTTCCTGGAATCTGGAGTTCTTGT[A>C]ACTCAACGTCGTAGTCAATAAAAACATCTGTCATTGTGCCAAAAATGAGTAGCACGCCTG-3'